The following is an entry in ClinVar:

ClinVar aggregate classification (germline): Uncertain significance (1 of 4 stars; one submission).

Conditions:
Myopathy, proximal, and ophthalmoplegia (CMYO6). Also called: CONGENITAL MYOPATHY 6 WITH OPHTHALMOPLEGIA; MYOPATHY WITH CONGENITAL JOINT CONTRACTURES, OPHTHALMOPLEGIA, AND RIMMED VACUOLES; INCLUSION BODY MYOPATHY 3, AUTOSOMAL DOMINANT. Identifiers: Orphanet 363677, Orphanet 79091, MedGen C1854106, MONDO:0011577, OMIM 605637.

gnomAD v4.1: 1 of 1,593,098 alleles (0.000063%); highest among the groups gnomAD compares: East Asian, 0.0022%; no homozygotes.

Submission:

Labcorp Genetics (formerly Invitae), Labcorp
Classification: Uncertain significance for Myopathy, proximal, and ophthalmoplegia. Last evaluated: 2025-07-07. Review status: criteria provided, single submitter. Criteria: Invitae Variant Classification Sherloc (09022015). Collection method: clinical testing. Allele origin: germline.
Comment: This sequence change replaces methionine, which is neutral and non-polar, with lysine, which is basic and polar, at codon 303 of the MYH2 protein (p.Met303Lys). This variant is present in population databases (no rsID available, gnomAD 0.006%). This variant has not been reported in the literature in individuals affected with MYH2-related conditions. Invitae Evidence Modeling of protein sequence and biophysical properties (such as structural, functional, and spatial information, amino acid conservation, physicochemical variation, residue mobility, and thermodynamic stability) indicates that this missense variant is not expected to disrupt MYH2 protein function with a negative predictive value of 80%. In summary, the available evidence is currently insufficient to determine the role of this variant in disease. Therefore, it has been classified as a Variant of Uncertain Significance.

NM_017534.6(MYH2):c.908T>A (p.Met303Lys)

Genes: MYH2 (myosin heavy chain 2; minus strand), MYHAS (myosin heavy chain gene cluster antisense RNA; plus strand). Cytogenetic location: 17p13.1.
Variant type: single nucleotide variant.
Coding change: c.908T>A on transcript NM_017534.6 (MANE Select); coding-DNA position 908, T replaced by A.
Protein change: p.Met303Lys; replaces methionine 303 with lysine.
Molecular consequence: missense variant.
Genome position (GRCh38, 1-based): chr17:10,540,694, A>T on the plus strand (T>A on the coding strand, the complement: MYH2 is on the minus strand). VCF-style: chr17-10540694-A-T. GRCh37 (hg19) VCF-style: chr17-10444011-A-T.
Other names: c.908T>A, p.Met303Lys (NM_001100112.2); short protein forms M303K.
Identifiers: ClinVar variation 4703488 (VCV004703488.1).
Genomic context (GRCh38, chr17:10,540,694, plus strand): 5'-ACACTGATCTCCCCTTGACTGACAAATGGGTAATCATATGGGTTCGTGGTAATCAGAAGC[A>T]TTTCTAAGTACAGGAAACAGAACAAAGATAAACATAATTATCTTCTTCATTAAAACAAGA-3'
Protein context (NP_060004.3, residues 293-313): TSNKKPELIE[Met303Lys]LLITTNPYDY